The following is an entry in ClinVar:

NM_016931.5(NOX4):c.57+224_57+226dup

Gene: NOX4 (NADPH oxidase 4; minus strand). Cytogenetic location: 11q14.3.
Variant type: Duplication.
Coding change: c.57+224_57+226dup on transcript NM_016931.5 (MANE Select); bases 224 to 226 of the intron after coding-DNA position 57, 3 bases duplicated (GAG; older notation c.57+224_57+226dupGAG).
Molecular consequence: intron variant. On other transcripts: inframe insertion (1).
Genome position (GRCh38, 1-based): chr11:89,490,964-89,490,966, CTC duplicated on the plus strand (GAG on the coding strand, the reverse complement: NOX4 is on the minus strand). VCF-style (leftmost placement, unchanged base first): chr11-89490963-T-TCTC. GRCh37 (hg19) VCF-style: chr11-89224131-T-TCTC.
Other names: c.7_9dup, p.Glu3dup (NM_001291927.1); c.-15-413_-15-411dup (NM_001143837.2, NM_001300995.1); c.-162+224_-162+226dup (NM_001291926.2); c.57+224_57+226dup (NM_001143836.3).
Identifiers: ClinVar variation 1228745 (VCV001228745.3), dbSNP rs34495256, ClinGen allele CA6222275.

ClinVar aggregate classification (germline): Benign (1 of 4 stars; one submission).

Allele frequency attached by ClinVar (database versions not stated): 1000 Genomes Project 0.42073; 1000 Genomes Project 30x 0.42083; gnomAD 0.51878 and 0.52169; gnomAD exomes 0.57870 and 0.61760; ExAC 0.58205.

Submission:

GeneDx
Classification: Benign. Last evaluated: 2018-07-13. Review status: criteria provided, single submitter. Criteria: GeneDx Variant Classification Process June 2021. Collection method: clinical testing. Allele origin: germline. Affected: yes.
Comment: This variant is associated with the following publications: (PMID: 29398271)